The following is an entry in ClinVar:

NM_152384.3(BBS5):c.480A>G (p.Val160=)

Gene: BBS5 (Bardet-Biedl syndrome 5; plus strand). Cytogenetic location: 2q31.1.
Variant type: single nucleotide variant.
Coding change: c.480A>G on transcript NM_152384.3 (MANE Select); coding-DNA position 480, A replaced by G.
Protein change: p.Val160=; no amino-acid change (valine 160 retained).
Molecular consequence: synonymous variant.
Genome position (GRCh38, 1-based): chr2:169,492,967, A>G. VCF-style: chr2-169492967-A-G. GRCh37 (hg19) VCF-style: chr2-170349477-A-G.
Other names: c.480A>G (NM_152384.2).
Identifiers: ClinVar variation 1554006 (VCV001554006.11), dbSNP rs779349158, ClinGen allele CA1956214.

ClinVar aggregate classification (germline): Likely benign. Review status: criteria provided, multiple submitters, no conflicts (2 of 4 stars). 3 submissions from 3 submitters: Likely benign (2). 1 of the submissions does not count toward it. Last evaluated 2025-12-20.

Conditions:
Bardet-Biedl syndrome (BBS). Identifiers: Orphanet 110, MedGen C0752166, MONDO:0015229.
BBS5-related disorder. Also called: BBS5-related condition.

Allele frequency attached by ClinVar (database versions not stated): ExAC 0.00002; gnomAD exomes 0.00002 and 0.00003; gnomAD 0.00003 and 0.00004.
gnomAD v4.1: 48 of 1,613,636 alleles (0.003%); highest among the groups gnomAD compares: Admixed American, 0.005%; no homozygotes.

Submissions (3):

Labcorp Genetics (formerly Invitae), Labcorp
Classification: Likely benign for Bardet-Biedl syndrome. Last evaluated: 2025-12-20. Review status: criteria provided, single submitter. Criteria: Invitae Variant Classification Sherloc (09022015). Collection method: clinical testing. Allele origin: germline.

Blueprint Genetics
Classification: Likely benign. Last evaluated: 2024-07-08. Review status: criteria provided, single submitter. Criteria: ACMG Guidelines, 2015. Collection method: clinical testing. Allele origin: germline.

PreventionGenetics, part of Exact Sciences
Classification: Likely benign for BBS5-related condition. Last evaluated: 2022-12-21. Review status: no assertion criteria provided. Collection method: clinical testing. Allele origin: germline. Not counted in ClinVar's aggregate classification.
Comment: This variant is classified as likely benign based on ACMG/AMP sequence variant interpretation guidelines (Richards et al. 2015 PMID: 25741868, with internal and published modifications).